The following is an entry in ClinVar:

ClinVar aggregate classification (germline): Uncertain significance. Review status: criteria provided, multiple submitters, no conflicts (2 of 4 stars). 2 submissions from 2 submitters: Uncertain significance (2). Last evaluated 2025-08-18.

Conditions:
Inborn genetic diseases. Identifiers: MedGen C0950123, MeSH D030342.

Allele frequency attached by ClinVar (database versions not stated): gnomAD exomes below 0.00001.
gnomAD v4.1: 2 of 1,610,426 alleles (0.00012%); highest among the groups gnomAD compares: Non-Finnish European, 0.000085%; no homozygotes.

Submissions (2):

Labcorp Genetics (formerly Invitae), Labcorp
Classification: Uncertain significance. Last evaluated: 2025-08-18. Review status: criteria provided, single submitter. Criteria: Invitae Variant Classification Sherloc (09022015). Collection method: clinical testing. Allele origin: germline.
Comment: This sequence change replaces alanine, which is neutral and non-polar, with threonine, which is neutral and polar, at codon 6 of the MAP3K7 protein (p.Ala6Thr). This variant is not present in population databases (gnomAD no frequency). This variant has not been reported in the literature in individuals affected with MAP3K7-related conditions. ClinVar contains an entry for this variant (Variation ID: 3123019). Experimental studies and prediction algorithms are not available or were not evaluated, and the functional significance of this variant is currently unknown. In summary, the available evidence is currently insufficient to determine the role of this variant in disease. Therefore, it has been classified as a Variant of Uncertain Significance.

Ambry Genetics
Classification: Uncertain significance for Inborn genetic diseases. Last evaluated: 2023-12-16. Review status: criteria provided, single submitter. Criteria: Ambry Variant Classification Scheme 2023. Collection method: clinical testing. Allele origin: germline.

NM_145331.3(MAP3K7):c.16G>A (p.Ala6Thr)

Gene: MAP3K7 (mitogen-activated protein kinase kinase kinase 7; minus strand). Cytogenetic location: 6q15.
Variant type: single nucleotide variant.
Coding change: c.16G>A on transcript NM_145331.3 (MANE Select); coding-DNA position 16, G replaced by A.
Protein change: p.Ala6Thr; replaces alanine 6 with threonine.
Molecular consequence: missense variant.
Genome position (GRCh38, 1-based): chr6:90,586,868, C>T on the plus strand (G>A on the coding strand, the complement: MAP3K7 is on the minus strand). VCF-style: chr6-90586868-C-T. GRCh37 (hg19) VCF-style: chr6-91296587-C-T.
Other names: c.16G>A, p.Ala6Thr (NM_003188.4, NM_145332.3, NM_145333.3); short protein forms A6T.
Identifiers: ClinVar variation 3123019 (VCV003123019.3), dbSNP rs2481906875, ClinGen allele CA365021125.